The following is an entry in ClinVar:

NM_014023.4(WDR37):c.605-9A>G

Gene: WDR37 (WD repeat domain 37; plus strand). Cytogenetic location: 10p15.3.
Variant type: single nucleotide variant.
Coding change: c.605-9A>G on transcript NM_014023.4 (MANE Select); 9 bases into the intron before coding-DNA position 605, A replaced by G.
Molecular consequence: intron variant.
Genome position (GRCh38, 1-based): chr10:1,093,443, A>G. VCF-style: chr10-1093443-A-G. GRCh37 (hg19) VCF-style: chr10-1139383-A-G.
Identifiers: ClinVar variation 4852746 (VCV004852746.2).
Genomic context (GRCh38, chr10:1,093,443, plus strand): 5'-TAGCTAATAAATGTTGATAACATGTTTTTGTCACTTTAAACCTGTTTTTATCATATTTTT[A>G]TTTTGCAGTAAATTCTATCAAATTTCATCCCTCAGAGCAGTTGGCTCTCACTGGTATGTT-3'

ClinVar aggregate classification (germline): Likely benign (1 of 4 stars; one submission).

gnomAD v4.1: 4 of 1,604,188 alleles (0.00025%); highest among the groups gnomAD compares: Admixed American, 0.0017%; no homozygotes.

Submission:

Dasa
Classification: Likely benign. Last evaluated: 2025-12-02. Review status: criteria provided, single submitter. Criteria: DASA Assertion Criteria. Collection method: clinical testing. Allele origin: germline.
Comment: NM_014023.4(WDR37):c.605-9A>G is a splice-region variant. The variant context is inconsistent with a known disease-causing mechanism. Computational prediction algorithms are consistent with a benign effect. Therefore, based on the currently available evidence, this variant is classified as likely benign.